The following is an entry in ClinVar:

NM_006267.5(RANBP2):c.5099C>G (p.Ala1700Gly)

Gene: RANBP2 (RAN binding protein 2; plus strand). Cytogenetic location: 2q13.
Variant type: single nucleotide variant.
Coding change: c.5099C>G on transcript NM_006267.5 (MANE Select); coding-DNA position 5099, C replaced by G.
Protein change: p.Ala1700Gly; replaces alanine 1700 with glycine.
Molecular consequence: missense variant.
Genome position (GRCh38, 1-based): chr2:108,765,638, C>G. VCF-style: chr2-108765638-C-G. GRCh37 (hg19) VCF-style: chr2-109382094-C-G.
Other names: short protein forms A1700G.
Identifiers: ClinVar variation 1438918 (VCV001438918.9), dbSNP rs112643545, ClinGen allele CA53454437.

ClinVar aggregate classification (germline): Uncertain significance (1 of 4 stars; one submission).

Conditions:
Familial acute necrotizing encephalopathy (IIAE3). Also called: ENCEPHALOPATHY, ACUTE, INFECTION-INDUCED, SUSCEPTIBILITY TO, 3; Susceptibility to Acute Necrotizing Encephalopathy 1. Identifiers: Orphanet 88619, MedGen C2675556, MONDO:0011953, OMIM 608033.

Allele frequency attached by ClinVar (database versions not stated): gnomAD exomes below 0.00001; TOPMed below 0.00001; gnomAD 0.00001.
gnomAD v4.1: 3 of 1,306,834 alleles (0.00023%); highest among the groups gnomAD compares: Non-Finnish European, 0.00033%; no homozygotes.

Submission:

Labcorp Genetics (formerly Invitae), Labcorp
Classification: Uncertain significance for Familial acute necrotizing encephalopathy. Last evaluated: 2021-03-09. Review status: criteria provided, single submitter. Criteria: Invitae Variant Classification Sherloc (09022015). Collection method: clinical testing. Allele origin: germline.
Comment: This sequence change replaces alanine with glycine at codon 1700 of the RANBP2 protein (p.Ala1700Gly). The alanine residue is moderately conserved and there is a small physicochemical difference between alanine and glycine. This variant is not present in population databases (ExAC no frequency). This variant has not been reported in the literature in individuals with RANBP2-related conditions. Algorithms developed to predict the effect of missense changes on protein structure and function are either unavailable or do not agree on the potential impact of this missense change (SIFT: "Tolerated"; PolyPhen-2: "Possibly Damaging"; Align-GVGD: "Class C0"). In summary, the available evidence is currently insufficient to determine the role of this variant in disease. Therefore, it has been classified as a Variant of Uncertain Significance.